The following is an entry in ClinVar:

NM_000277.3(PAH):c.755G>A (p.Arg252Gln)

Gene: PAH (phenylalanine hydroxylase; minus strand). Cytogenetic location: 12q23.2.
Variant type: single nucleotide variant.
Coding change: c.755G>A on transcript NM_000277.3 (MANE Select); coding-DNA position 755, G replaced by A.
Protein change: p.Arg252Gln; replaces arginine 252 with glutamine.
Molecular consequence: missense variant.
Genome position (GRCh38, 1-based): chr12:102,852,902, C>T on the plus strand (G>A on the coding strand, the complement: PAH is on the minus strand). VCF-style: chr12-102852902-C-T. GRCh37 (hg19) VCF-style: chr12-103246680-C-T.
Other names: NM_000277.1(PAH):c.755G>A; c.755G>A (NM_000277.2); c.755G>A, p.Arg252Gln (NM_001354304.2); short protein forms R252Q.
Identifiers: ClinVar variation 102824 (VCV000102824.35), dbSNP rs62644503, ClinGen allele CA229743.
Genomic context (GRCh38, chr12:102,852,902, plus strand): 5'-CCATGTCTGATGTACTGTGTGCAGTGGAAGACTCGGAAGGCCAGGCCACCCAAGAAATCC[C>T]GAGAGGAAAGCAGGCCAGCCACAGGTCGGAGGCGGAAACCAGTGCAAGCTGGGATGAAAA-3'
Protein context (NP_000268.1, residues 242-262): LRPVAGLLSS[Arg252Gln]DFLGGLAFRV

ClinVar aggregate classification (germline): Pathogenic. Review status: reviewed by expert panel (3 of 4 stars). 12 submissions from 12 submitters: Pathogenic (1). 11 of the submissions do not count toward it. Last evaluated 2018-08-10.

Conditions:
Phenylketonuria (PKU). Also called: Phenylketonuria (PKU); FOLLING DISEASE; OLIGOPHRENIA PHENYLPYRUVICA; Phenylketonurias. Identifiers: Orphanet 716, MedGen C0031485, MONDO:0009861, OMIM 261600. Disease mechanism: loss of function.

Allele frequency attached by ClinVar (database versions not stated): gnomAD 0.00001; gnomAD exomes 0.00001.
gnomAD v4.1: 11 of 1,613,882 alleles (0.00068%); highest among the groups gnomAD compares: East Asian, 0.0045%; no homozygotes.

Submissions 1 to 7 of 12:

ClinGen PAH Variant Curation Expert Panel
Classification: Pathogenic for Phenylketonuria. Last evaluated: 2018-08-10. Review status: reviewed by expert panel. Criteria: ClinGen PAH ACMG Specifications v1. Collection method: curation. Allele origin: germline. Inheritance: Autosomal recessive inheritance.
Comment: PAH-specific ACMG/AMP criteria applied: PM2: ; PP3: tools predict damaging; PS3: BioPKU 3% enzyme activity; 3.8% residual activity (PMID:24401910); PM3: Detected in trans with p.Pro407fs (PMID:7833954); PP4_Moderate: Detected in 2 patients with classic PKU (Phe>1.5mM). BH4 deficiency excluded (PMID:7833954; PMID:9634518). In summary this variant meets criteria to be classified as pathogenic for phenylketonuria in an autosomal recessive manner based on the ACMG/AMP criteria applied as specified by the PAH Expert Panel: (PM2, PP3, PS3, PM3, PP4_Moderate).

Labcorp Genetics (formerly Invitae), Labcorp
Classification: Pathogenic for Phenylketonuria. Last evaluated: 2025-12-24. Review status: criteria provided, single submitter. Criteria: Invitae Variant Classification Sherloc (09022015). Collection method: clinical testing. Allele origin: germline. Not counted in ClinVar's aggregate classification.
Comment: This sequence change replaces arginine, which is basic and polar, with glutamine, which is neutral and polar, at codon 252 of the PAH protein (p.Arg252Gln). This variant is present in population databases (rs62644503, gnomAD 0.005%). This missense change has been observed in individuals with phenylketonuria (PMID: 7833954, 16256386, 23430547, 24401910, 30050108). ClinVar contains an entry for this variant (Variation ID: 102824). Invitae Evidence Modeling of protein sequence and biophysical properties (such as structural, functional, and spatial information, amino acid conservation, physicochemical variation, residue mobility, and thermodynamic stability) indicates that this missense variant is expected to disrupt PAH protein function with a positive predictive value of 80%. Experimental studies have shown that this missense change affects PAH function (PMID: 11243094, 17924342, 21953985). This variant disrupts the p.Arg252 amino acid residue in PAH. Other variant(s) that disrupt this residue have been determined to be pathogenic (PMID: 2574153, 8116675, 12655546, 17096675, 20082265, 25596310). This suggests that this residue is clinically significant, and that variants that disrupt this residue are likely to be disease-causing. For these reasons, this variant has been classified as Pathogenic.

Quest Diagnostics Nichols Institute San Juan Capistrano
Classification: Pathogenic. Last evaluated: 2025-07-03. Review status: criteria provided, single submitter. Criteria: Quest Diagnostics criteria. Collection method: clinical testing. Allele origin: unknown. Not counted in ClinVar's aggregate classification.
Comment: The PAH c.755G>A (p.Arg252Gln) variant has been reported in multiple individuals with phenylketonuria in the published literature (PMIDs: 7833954 (1994), 9634518 (1998), 24401910 (2014), 30050108 (2018), 35869558 (2022), 36104584 (2022), 36849017 (2023), 36845377 (2023), 36787440 (2023), and 36646061 (2023)). Functionals studies indicate that this variant disrupts normal PAH production or activity (PMIDs: 11243094 (1997), 17924342 (2007), 21953985 (2012), and 24401910 (2014)). The frequency of this variant in the general population (Genome Aggregation Database) is consistent with pathogenicity. Based on the available information, this variant is classified as pathogenic.

Natera, Inc.
Classification: Pathogenic for Phenylketonuria. Last evaluated: 2025-04-09. Review status: criteria provided, single submitter. Criteria: Natera Variant Classification Schema (03/2026). Collection method: clinical testing. Allele origin: germline. Not counted in ClinVar's aggregate classification.
Comment: The c.755G>A variant in PAH is a missense variant predicted to cause substitution of arginine to glutamine at amino acid 252. This variant is rare in the general population with a frequency below the threshold expected for the associated phenotype(s). This variant has been observed in one or more individuals affected with the associated recessive disease, as either homozygous or compound heterozygous with a second variant (PMID: 30050108). Computational prediction algorithms indicate this variant is likely to affect gene or protein function. Given the available evidence, this variant is classified as Pathogenic.

GeneDx
Classification: Pathogenic. Last evaluated: 2022-09-28. Review status: criteria provided, single submitter. Criteria: GeneDx Variant Classification Process June 2021. Collection method: clinical testing. Allele origin: germline. Affected: yes. Not counted in ClinVar's aggregate classification.
Comment: Reported in an individual with PKU who harbored a second PAH variant (Benit et al., 1994); Functional analysis demonstrates decreased PAH enzyme activity (Liang et al., 2014); In silico analysis supports that this missense variant has a deleterious effect on protein structure/function; Not observed at significant frequency in large population cohorts (gnomAD); In silico analysis suggests this variant may impact gene splicing. In the absence of RNA/functional studies, the actual effect of this sequence change is unknown.; This variant is associated with the following publications: (PMID: 21228398, 30747360, 21953985, 7833954, 8188310, 24401910, 27264808, 9634518, 11243094, 30037505, 30275481, 34426522, 31589614, 32668217, 32778825)

3billion
Classification: Pathogenic for Phenylketonuria. Last evaluated: 2022-09-01. Review status: criteria provided, single submitter. Criteria: ACMG Guidelines, 2015. Collection method: clinical testing. Allele origin: germline. Affected: yes. Observed: 1 heterozygote. Not counted in ClinVar's aggregate classification.
Comment: The variant is observed at an extremely low frequency in the gnomAD v2.1.1 dataset (total allele frequency: 0.001%). It is located in a mutational hot spot and/or well-established functional domain in which established pathogenic variants have been reported. Missense changes are a common disease-causing mechanism. Functional studies provide strong evidence of the variant having a damaging effect on the gene or gene product (PMID: 24401910). In silico tool predictions suggest damaging effect of the variant on gene or gene product (REVEL: 0.94; 3Cnet: 0.99). The variant has been reported to be in trans with a pathogenic variant as either compound heterozygous or homozygous in at least one similarly affected unrelated individual (PMID: 7833954). Different missense changes at the same codon (p.Arg252Gly, p.Arg252Pro, p.Arg252Trp) have been reported as pathogenic/likely pathogenic with strong evidence (ClinVar ID: VCV000000584 , VCV000102823 , VCV000932252). Therefore, this variant is classified as Pathogenic according to the recommendation of ACMG/AMP guideline.

Center for Genomics, Ann and Robert H. Lurie Children's Hospital of Chicago
Classification: Likely pathogenic for Phenylketonuria. Last evaluated: 2021-03-30. Review status: criteria provided, single submitter. Criteria: ACMG Guidelines, 2015. Collection method: clinical testing. Allele origin: germline. Not counted in ClinVar's aggregate classification.
Comment: PAH NM_000277.2 exon 7 p.Arg252Gln (c.755G>A): This variant has been reported in the literature as a compound heterozygote in at least 1 individual with PKU (Benit 1994 PMID:7833954) and has been reported in the BIOPKU database. This variant is present in 0.005% (1/19948) of East Asian alleles in the Genome Aggregation Database. Please note, disease causing variants may be present in control databases at low frequencies, reflective of the general population, carrier status and/or variable expressivity. This variant is present in ClinVar (Variation ID:102824). Evolutionary conservation and computational predictive tools suggest that this variant may impact the protein. Of note, computational tools designed to predict splicing suggest a potential effect from this variant. However, further studies are needed to understand its impact. Functional studies support a deleterious effect of this variant, suggesting decreased protein production or activity compared to wild-type (Bjorgo 1998 PMID:9799096, Shi 2012 PMID:21953985, Himmelreich 2018 PMID:30037505). Furthermore, other variants at this same codon (p.Arg252Pro, p.Arg252Trp, p.Arg252Gly) have been reported in the literature, with at least one of these variants with sufficient evidence for association with disease. In summary, data on this variant is highly suspicious for disease, but requires further evidence for pathogenicity. Therefore, this variant is classified as likely pathogenic.